The following is an entry in ClinVar:

ClinVar aggregate classification (germline): Uncertain significance (1 of 4 stars; one submission).

Submission:

Labcorp Genetics (formerly Invitae), Labcorp
Classification: Uncertain significance. Last evaluated: 2025-11-24. Review status: criteria provided, single submitter. Criteria: Invitae Variant Classification Sherloc (09022015). Collection method: clinical testing. Allele origin: germline.
Comment: This sequence change replaces threonine, which is neutral and polar, with proline, which is neutral and non-polar, at codon 99 of the EDNRB protein (p.Thr99Pro). This variant is present in population databases (rs768598369, gnomAD 0.01%). This variant has not been reported in the literature in individuals affected with EDNRB-related conditions. Invitae Evidence Modeling of protein sequence and biophysical properties (such as structural, functional, and spatial information, amino acid conservation, physicochemical variation, residue mobility, and thermodynamic stability) indicates that this missense variant is not expected to disrupt EDNRB protein function with a negative predictive value of 80%. In summary, the available evidence is currently insufficient to determine the role of this variant in disease. Therefore, it has been classified as a Variant of Uncertain Significance.

NM_001122659.3(EDNRB):c.295A>C (p.Thr99Pro)

Gene: EDNRB (endothelin receptor type B; minus strand). Cytogenetic location: 13q22.3.
Variant type: single nucleotide variant.
Coding change: c.295A>C on transcript NM_001122659.3 (MANE Select); coding-DNA position 295, A replaced by C.
Protein change: p.Thr99Pro; replaces threonine 99 with proline.
Molecular consequence: missense variant.
Genome position (GRCh38, 1-based): chr13:77,918,279, T>G on the plus strand (A>C on the coding strand, the complement: EDNRB is on the minus strand). VCF-style: chr13-77918279-T-G. GRCh37 (hg19) VCF-style: chr13-78492414-T-G.
Other names: c.295A>C, p.Thr99Pro (NM_000115.5, NM_003991.4); c.565A>C, p.Thr189Pro (NM_001201397.2); short protein forms T189P, T99P.
Identifiers: ClinVar variation 4804635 (VCV004804635.1).